The following is an entry in ClinVar:

ClinVar aggregate classification (germline): Likely benign (1 of 4 stars; one submission).

gnomAD v4.1: 44 of 1,607,806 alleles (0.0027%); highest among the groups gnomAD compares: African/African-American, 0.0081%; no homozygotes.

Submission:

CeGaT Center for Human Genetics Tuebingen
Classification: Likely benign. Last evaluated: 2025-10-01. Review status: criteria provided, single submitter. Criteria: CeGaT Center For Human Genetics Tuebingen Variant Classification Criteria Version 2. Collection method: clinical testing. Allele origin: germline. Affected: yes. Observed: 1 variant allele.
Comment: PRAMEF2: BP4, BP7

NM_023014.1(PRAMEF2):c.573A>G (p.Pro191=)

Genes: PRAMEF2 (PRAME family member 2; plus strand), LOC126805622 (CDK7 strongly-dependent group 2 enhancer GRCh37_chr1:12919058-12920257; plus strand). Cytogenetic location: 1p36.21.
Variant type: single nucleotide variant.
Coding change: c.573A>G on transcript NM_023014.1 (MANE Select); coding-DNA position 573, A replaced by G.
Protein change: p.Pro191=; no amino-acid change (proline 191 retained).
Molecular consequence: synonymous variant.
Genome position (GRCh38, 1-based): chr1:12,859,978, A>G. VCF-style: chr1-12859978-A-G. GRCh37 (hg19) VCF-style: chr1-12919833-A-G.
Identifiers: ClinVar variation 4534080 (VCV004534080.6).